The following is an entry in ClinVar:

ClinVar aggregate classification (germline): Benign/Likely benign. Review status: criteria provided, multiple submitters, no conflicts (2 of 4 stars). 2 submissions from 2 submitters: Benign (1); Likely benign (1). Last evaluated 2026-02-03.

Conditions:
ALG9 congenital disorder of glycosylation (CDG1L). Also called: ALG9-CDG; CDG Il; CONGENITAL DISORDER OF GLYCOSYLATION, TYPE Il. Identifiers: Orphanet 79328, MedGen C2931006, MONDO:0012117, OMIM 608776.

Submissions (2):

Labcorp Genetics (formerly Invitae), Labcorp
Classification: Likely benign for ALG9 congenital disorder of glycosylation. Last evaluated: 2026-02-03. Review status: criteria provided, single submitter. Criteria: Invitae Variant Classification Sherloc (09022015). Collection method: clinical testing. Allele origin: germline.

Mayo Clinic Laboratories, Mayo Clinic
Classification: Benign. Last evaluated: 2025-05-06. Review status: criteria provided, single submitter. Criteria: ACMG Guidelines, 2015. Collection method: clinical testing. Allele origin: germline. Observed: 2 variant alleles.
Comment: BA1, BS2, BP7

NM_024740.2(ALG9):c.132-13_132-12insTG

Gene: ALG9 (ALG9 alpha-1,2-mannosyltransferase; minus strand). Cytogenetic location: 11q23.1.
Variant type: Insertion.
Coding change: c.132-13_132-12insTG on transcript NM_024740.2 (MANE Select); 13 bases into the intron before coding-DNA position 132 through 12 bases into the intron before coding-DNA position 132, TG inserted.
Molecular consequence: intron variant.
Genome position: GRCh38 VCF-style: chr11-111870382-C-CCA. GRCh37 (hg19) VCF-style: chr11-111741105-C-CCA.
Other names: p.?; c.-244+969_-244+970insTG (NM_001352409.1); c.132-13_132-12insTG (NM_001352418.1, NM_001352417.1, NM_001077690.1); c.-386-13_-386-12insTG (NM_001352410.1, NM_001352413.1, NM_001352423.2 and 2 more transcripts); c.-382-13_-382-12insTG (NM_001352412.2, NM_001352414.2, NM_001077692.2 and 5 more transcripts); c.-600-13_-600-12insTG (NM_001352422.2).
Identifiers: ClinVar variation 3708928 (VCV003708928.3).